The following is an entry in ClinVar:

NM_002637.4(PHKA1):c.2514A>C (p.Glu838Asp)

Gene: PHKA1 (phosphorylase kinase regulatory subunit alpha 1; minus strand). Cytogenetic location: Xq13.1.
Variant type: single nucleotide variant.
Coding change: c.2514A>C on transcript NM_002637.4 (MANE Select); coding-DNA position 2514, A replaced by C.
Protein change: p.Glu838Asp; replaces glutamic acid 838 with aspartic acid.
Molecular consequence: missense variant.
Genome position (GRCh38, 1-based): chrX:72,611,040, T>G on the plus strand (A>C on the coding strand, the complement: PHKA1 is on the minus strand). VCF-style: chrX-72611040-T-G. GRCh37 (hg19) VCF-style: chrX-71830890-T-G.
Other names: c.2514A>C, p.Glu838Asp (NM_001122670.2); c.2337A>C, p.Glu779Asp (NM_001172436.2); c.2514A>C (NM_002637.3); short protein forms E838D, E779D.
Identifiers: ClinVar variation 2160463 (VCV002160463.5), dbSNP rs782409238, ClinGen allele CA10450681.

ClinVar aggregate classification (germline): Uncertain significance. Review status: criteria provided, multiple submitters, no conflicts (2 of 4 stars). 2 submissions from 2 submitters: Uncertain significance (2). Last evaluated 2026-07-29.

Conditions:
Inborn genetic diseases. Identifiers: MedGen C0950123, MeSH D030342.
Glycogen storage disease IXd (GSD9D). Also called: GSD IXd; Muscle Phosphorylase Kinase Deficiency. Identifiers: Orphanet 715, MedGen C1845151, MONDO:0010362, OMIM 300559.

Allele frequency attached by ClinVar (database versions not stated): ExAC 0.00001; gnomAD exomes 0.00001; TOPMed 0.00001; gnomAD 0.00001.
gnomAD v4.1: 10 of 1,202,652 alleles (0.00083%); highest among the groups gnomAD compares: Admixed American, 0.0088%; no homozygotes.

Submissions (2):

Ambry Genetics
Classification: Uncertain significance for Inborn genetic diseases. Last evaluated: 2026-07-29. Review status: criteria provided, single submitter. Criteria: Ambry Variant Classification Scheme 2023. Collection method: clinical testing. Allele origin: germline.
Comment: The c.2514A>C (p.E838D) alteration is located in exon 22 (coding exon 22) of the PHKA1 gene. This alteration results from a A to C substitution at nucleotide position 2514, causing the glutamic acid (E) at amino acid position 838 to be replaced by an aspartic acid (D). Based on data from gnomAD, the C allele has an overall frequency of 0.001% (1/181574) total alleles studied. The highest observed frequency was 0.004% (1/27217) of Latino alleles. Based on insufficient or conflicting evidence, the clinical significance of this alteration remains unclear.

Labcorp Genetics (formerly Invitae), Labcorp
Classification: Uncertain significance for Glycogen storage disease IXd. Last evaluated: 2025-04-11. Review status: criteria provided, single submitter. Criteria: Invitae Variant Classification Sherloc (09022015). Collection method: clinical testing. Allele origin: germline.
Comment: This sequence change replaces glutamic acid, which is acidic and polar, with aspartic acid, which is acidic and polar, at codon 838 of the PHKA1 protein (p.Glu838Asp). This variant is present in population databases (rs782409238, gnomAD 0.004%). This variant has not been reported in the literature in individuals affected with PHKA1-related conditions. ClinVar contains an entry for this variant (Variation ID: 2160463). Invitae Evidence Modeling of protein sequence and biophysical properties (such as structural, functional, and spatial information, amino acid conservation, physicochemical variation, residue mobility, and thermodynamic stability) indicates that this missense variant is not expected to disrupt PHKA1 protein function with a negative predictive value of 80%. In summary, the available evidence is currently insufficient to determine the role of this variant in disease. Therefore, it has been classified as a Variant of Uncertain Significance.